The following is an entry in ClinVar:

NM_003906.5(MCM3AP):c.712C>T (p.Pro238Ser)

Gene: MCM3AP (minichromosome maintenance complex component 3 associated protein; minus strand). Cytogenetic location: 21q22.3.
Variant type: single nucleotide variant.
Coding change: c.712C>T on transcript NM_003906.5 (MANE Select); coding-DNA position 712, C replaced by T.
Protein change: p.Pro238Ser; replaces proline 238 with serine.
Molecular consequence: missense variant.
Genome position (GRCh38, 1-based): chr21:46,284,575, G>A on the plus strand (C>T on the coding strand, the complement: MCM3AP is on the minus strand). VCF-style: chr21-46284575-G-A. GRCh37 (hg19) VCF-style: chr21-47704489-G-A.
Other names: p.Pro238Ser; c.712C>T (NM_003906.3); short protein forms P238S.
Identifiers: ClinVar variation 1406849 (VCV001406849.5), dbSNP rs1278785194, ClinGen allele CA410535548.

ClinVar aggregate classification (germline): Uncertain significance. Review status: criteria provided, multiple submitters, no conflicts (2 of 4 stars). 3 submissions from 3 submitters: Uncertain significance (3). Last evaluated 2025-08-29.

Conditions:
Inborn genetic diseases. Identifiers: MedGen C0950123, MeSH D030342.

Allele frequency attached by ClinVar (database versions not stated): gnomAD exomes 0.00001 and below 0.00001; TOPMed below 0.00001; gnomAD 0.00001.
gnomAD v4.1: 22 of 1,614,038 alleles (0.0014%); highest among the groups gnomAD compares: Non-Finnish European, 0.0018%; 1 homozygote.

Submissions (3):

Mayo Clinic Laboratories, Mayo Clinic
Classification: Uncertain significance. Last evaluated: 2025-08-29. Review status: criteria provided, single submitter. Criteria: ACMG Guidelines, 2015. Collection method: clinical testing. Allele origin: germline. Observed: 1 variant allele.
Comment: BP4_moderate

Ambry Genetics
Classification: Uncertain significance for Inborn genetic diseases. Last evaluated: 2024-08-20. Review status: criteria provided, single submitter. Criteria: Ambry Variant Classification Scheme 2023. Collection method: clinical testing. Allele origin: germline.

Labcorp Genetics (formerly Invitae), Labcorp
Classification: Uncertain significance. Last evaluated: 2022-10-04. Review status: criteria provided, single submitter. Criteria: Invitae Variant Classification Sherloc (09022015). Collection method: clinical testing. Allele origin: germline.
Comment: This sequence change replaces proline, which is neutral and non-polar, with serine, which is neutral and polar, at codon 238 of the MCM3AP protein (p.Pro238Ser). This variant is present in population databases (no rsID available, gnomAD 0.002%). This variant has not been reported in the literature in individuals affected with MCM3AP-related conditions. ClinVar contains an entry for this variant (Variation ID: 1406849). Algorithms developed to predict the effect of missense changes on protein structure and function output the following: SIFT: "Tolerated"; PolyPhen-2: "Benign"; Align-GVGD: "Class C0". The serine amino acid residue is found in multiple mammalian species, which suggests that this missense change does not adversely affect protein function. In summary, the available evidence is currently insufficient to determine the role of this variant in disease. Therefore, it has been classified as a Variant of Uncertain Significance.